The following is an entry in ClinVar:

ClinVar aggregate classification (germline): Uncertain significance. Review status: criteria provided, multiple submitters, no conflicts (2 of 4 stars). 4 submissions from 4 submitters: Uncertain significance (4). Last evaluated 2026-01-28.

Conditions:
ITGB3-related disorder. Also called: ITGB3-related condition.

Allele frequency attached by ClinVar (database versions not stated): gnomAD exomes below 0.00001; gnomAD 0.00001; TOPMed 0.00003.
gnomAD v4.1: 6 of 1,614,050 alleles (0.00037%); highest among the groups gnomAD compares: Non-Finnish European, 0.00051%; no homozygotes.

Submissions (4):

PreventionGenetics, part of Exact Sciences
Classification: Uncertain significance for ITGB3-related condition. Last evaluated: 2026-01-28. Review status: criteria provided, single submitter. Criteria: ACMG Guidelines, 2015. Collection method: clinical testing. Allele origin: germline.
Comment: The ITGB3 c.2245G>A variant is predicted to result in the amino acid substitution p.Asp749Asn. To our knowledge, this variant has not been reported in the literature. An alternative amino acid substitution at this position (p.Asp749His, described using legacy nomenclature as p.Asp723His) was reported in multiple patients with autosomal dominant macrothrombocytopenia (Ghevaert et al. 2008. PubMed ID: 18065693; Favier et al. 2017. PubMed ID: 29090484). This variant is reported in 0.00088% of alleles in individuals of European (Non-Finnish) descent in gnomAD. Although we suspect that this variant may be pathogenic, at this time, the clinical significance of this variant is uncertain due to the absence of conclusive functional and genetic evidence.

Women's Health and Genetics/Laboratory Corporation of America, LabCorp
Classification: Uncertain significance. Last evaluated: 2025-12-04. Review status: criteria provided, single submitter. Criteria: LabCorp Variant Classification Summary - May 2015. Collection method: clinical testing. Allele origin: germline.
Comment: Variant summary: ITGB3 c.2245G>A (p.Asp749Asn) results in a conservative amino acid change in the encoded protein sequence. Algorithms developed to predict the effect of missense changes on protein structure and function are either unavailable or do not agree on the potential impact of this missense change. The variant allele was found at a frequency of 4e-06 in 251414 control chromosomes. The available data on variant occurrences in the general population are insufficient to allow any conclusion about variant significance. To our knowledge, no occurrence of c.2245G>A in individuals affected with ITGB3-related conditions has been reported. At least one publication reports experimental evidence evaluating an impact on protein function, however, does not allow convincing conclusions about the variant effect (Kizhakethil_2025). The following publication has been ascertained in the context of this evaluation (PMID: 40362482). ClinVar contains an entry for this variant (Variation ID: 2629410). Based on the evidence outlined above, the variant was classified as uncertain significance.

Labcorp Genetics (formerly Invitae), Labcorp
Classification: Uncertain significance. Last evaluated: 2024-10-09. Review status: criteria provided, single submitter. Criteria: Invitae Variant Classification Sherloc (09022015). Collection method: clinical testing. Allele origin: germline.
Comment: This sequence change replaces aspartic acid, which is acidic and polar, with asparagine, which is neutral and polar, at codon 749 of the ITGB3 protein (p.Asp749Asn). This variant is present in population databases (no rsID available, gnomAD 0.0009%). This variant has not been reported in the literature in individuals affected with ITGB3-related conditions. ClinVar contains an entry for this variant (Variation ID: 2629410). Invitae Evidence Modeling of protein sequence and biophysical properties (such as structural, functional, and spatial information, amino acid conservation, physicochemical variation, residue mobility, and thermodynamic stability) indicates that this missense variant is expected to disrupt ITGB3 protein function with a positive predictive value of 95%. In summary, the available evidence is currently insufficient to determine the role of this variant in disease. Therefore, it has been classified as a Variant of Uncertain Significance.

Mayo Clinic Laboratories, Mayo Clinic
Classification: Uncertain significance. Last evaluated: 2024-08-05. Review status: criteria provided, single submitter. Criteria: ACMG Guidelines, 2015. Collection method: clinical testing. Allele origin: germline. Observed: 1 variant allele.
Comment: PP3, PM1_supporting, PM2, PM5

Literature cited by the submitters: PubMed 40362482 (cited by Women's Health and Genetics/Laboratory Corporation of America, LabCorp).

NM_000212.3(ITGB3):c.2245G>A (p.Asp749Asn)

Genes: EFCAB13-DT (EFCAB13 divergent transcript; minus strand), ITGB3 (integrin subunit beta 3; plus strand). Cytogenetic location: 17q21.32.
Variant type: single nucleotide variant.
Coding change: c.2245G>A on transcript NM_000212.3 (MANE Select); coding-DNA position 2245, G replaced by A.
Protein change: p.Asp749Asn; replaces aspartic acid 749 with asparagine.
Molecular consequence: missense variant.
Genome position (GRCh38, 1-based): chr17:47,307,581, G>A. VCF-style: chr17-47307581-G-A. GRCh37 (hg19) VCF-style: chr17-45384947-G-A.
Other names: p.Asp749Asn; short protein forms D749N.
Identifiers: ClinVar variation 2629410 (VCV002629410.7), dbSNP rs398122372, ClinGen allele CA291228823.